The following is an entry in ClinVar:

ClinVar aggregate classification (germline): Uncertain significance (1 of 4 stars; one submission).

Submission:

Women's Health and Genetics/Laboratory Corporation of America, LabCorp
Classification: Uncertain significance. Last evaluated: 2024-09-30. Review status: criteria provided, single submitter. Criteria: LabCorp Variant Classification Summary - May 2015. Collection method: clinical testing. Allele origin: germline.
Comment: Variant summary: SLC4A11 c.2519T>C (p.Leu840Pro) results in a non-conservative amino acid change located in the Bicarbonate transporter-like, transmembrane domain (IPR011531) of the encoded protein sequence. Five of five in-silico tools predict a damaging effect of the variant on protein function. The frequency data for this variant in gnomAD is considered unreliable, as metrics indicate poor data quality at this position. c.2519T>C has been reported in the literature in individuals affected with congenital hereditary endothelial dystrophy (Moazzeni_2019). The report does not provide unequivocal conclusions about association of the variant with Corneal Dystrophy And Perceptive Deafness. To our knowledge, no experimental evidence demonstrating an impact on protein function has been reported. The following publications have been ascertained in the context of this evaluation (PMID: 38249503, 31420327). No submitters have cited clinical-significance assessments for this variant to ClinVar. Based on the evidence outlined above, the variant was classified as uncertain significance.

Literature cited by the submitters: PubMed 31420327; PubMed 38249503.

NM_001174089.2(SLC4A11):c.2471T>C (p.Leu824Pro)

Gene: SLC4A11 (solute carrier family 4 member 11; minus strand). Cytogenetic location: 20p13.
Variant type: single nucleotide variant.
Coding change: c.2471T>C on transcript NM_001174089.2 (MANE Select); coding-DNA position 2471, T replaced by C.
Protein change: p.Leu824Pro; replaces leucine 824 with proline.
Molecular consequence: missense variant. On other transcripts: non-coding transcript variant (3).
Genome position (GRCh38, 1-based): chr20:3,228,346, A>G on the plus strand (T>C on the coding strand, the complement: SLC4A11 is on the minus strand). VCF-style: chr20-3228346-A-G. GRCh37 (hg19) VCF-style: chr20-3208992-A-G.
Other names: c.2600T>C, p.Leu867Pro (NM_001174090.2); c.2357T>C, p.Leu786Pro (NM_001363745.2); c.2414T>C, p.Leu805Pro (NM_001400277.1, NM_001400278.1, NM_001400279.1); c.2486T>C, p.Leu829Pro (NM_001400280.1); c.2519T>C, p.Leu840Pro (NM_032034.4); short protein forms L786P, L805P, L824P, L829P, L840P, L867P.
Identifiers: ClinVar variation 3375221 (VCV003375221.1).
Genomic context (GRCh38, chr20:3,228,346, plus strand): 5'-AGGGGAAAGATCATCTTCATGTAGGGCAGGGAGCTCATGCCGAAGGCACACAGCAGCAGC[A>G]GCTGAAGCACCTGCAGGCCCGTGAAGTAGTGGATCTTCCTCTGGGGCACCCTCCGGATGT-3'
Protein context (NP_001167560.1, residues 814-834): HYFTGLQVLQ[Leu824Pro]LLLCAFGMSS